The following is an entry in ClinVar:

ClinVar aggregate classification (germline): Benign/Likely benign. Review status: criteria provided, multiple submitters, no conflicts (2 of 4 stars). 3 submissions from 3 submitters: Benign (2); Likely benign (1). Last evaluated 2026-08-01.

Allele frequency attached by ClinVar (database versions not stated): 1000 Genomes Project 0.00180; 1000 Genomes Project 30x 0.00203; TOPMed 0.00516; gnomAD 0.00521 and 0.00527; ExAC 0.00547; gnomAD exomes 0.00577 and 0.00784; ESP Exome Variant Server 0.00607.
gnomAD v4.1: 12,266 of 1,613,808 alleles (0.76%); highest among the groups gnomAD compares: Non-Finnish European, 0.87%; 53 homozygotes.

Submissions (3):

CeGaT Center for Human Genetics Tuebingen
Classification: Likely benign. Last evaluated: 2026-08-01. Review status: criteria provided, single submitter. Criteria: CeGaT Center For Human Genetics Tuebingen Variant Classification Criteria Version 2. Collection method: clinical testing. Allele origin: germline. Affected: yes. Observed: 3 variant alleles.
Comment: DOCK5: BS2

Labcorp Genetics (formerly Invitae), Labcorp
Classification: Benign. Last evaluated: 2018-08-16. Review status: criteria provided, single submitter. Criteria: Invitae Variant Classification Sherloc (09022015). Collection method: clinical testing. Allele origin: germline.

Breakthrough Genomics
Classification: Benign. Review status: criteria provided, single submitter. Criteria: ACMG Guidelines, 2015. Collection method: not provided. Allele origin: germline. Inheritance: Unknown mechanism. Affected: yes.

NM_024940.8(DOCK5):c.1406C>T (p.Thr469Met)

Gene: DOCK5 (dedicator of cytokinesis 5; plus strand). Cytogenetic location: 8p21.2.
Variant type: single nucleotide variant.
Coding change: c.1406C>T on transcript NM_024940.8 (MANE Select); coding-DNA position 1406, C replaced by T.
Protein change: p.Thr469Met; replaces threonine 469 with methionine.
Molecular consequence: missense variant.
Genome position (GRCh38, 1-based): chr8:25,317,094, C>T. VCF-style: chr8-25317094-C-T. GRCh37 (hg19) VCF-style: chr8-25174610-C-T.
Other names: short protein forms T469M.
Identifiers: ClinVar variation 771876 (VCV000771876.28), dbSNP rs61732769, ClinGen allele CA4682069.